The following is an entry in ClinVar:

NM_001365536.1(SCN9A):c.1602+5C>T

Genes: SCN1A-AS1 (SCN1A and SCN9A antisense RNA 1; plus strand), SCN9A (sodium voltage-gated channel alpha subunit 9; minus strand). Cytogenetic location: 2q24.3.
Variant type: single nucleotide variant.
Coding change: c.1602+5C>T on transcript NM_001365536.1 (MANE Select); 5 bases into the intron after coding-DNA position 1602, C replaced by T.
Molecular consequence: intron variant.
Genome position (GRCh38, 1-based): chr2:166,286,331, G>A on the plus strand (C>T on the coding strand, the complement: SCN9A is on the minus strand). VCF-style: chr2-166286331-G-A. GRCh37 (hg19) VCF-style: chr2-167142841-G-A.
Other names: c.1602+5C>T (NM_002977.4).
Identifiers: ClinVar variation 538473 (VCV000538473.9), dbSNP rs1553490266, ClinGen allele CA658795952.
Genomic context (GRCh38, chr2:166,286,331, plus strand): 5'-AAAATAAGACATTTTTCTCTAGCATTCTGCCTCGGGTGATACACATTTAGCAATTTGGGT[G>A]GTACCTGATTGGGGGTAGACAACCTCTTTTCATGTGCTCGCCTATGCCCTTCGACACCAA-3'

ClinVar aggregate classification (germline): Uncertain significance (1 of 4 stars; one submission).

Conditions:
Neuropathy, hereditary sensory and autonomic, type 2A (HSAN2A). Also called: ACROOSTEOLYSIS, GIACCAI TYPE; ACROOSTEOLYSIS, NEUROGENIC; MORVAN DISEASE; NEUROPATHY, CONGENITAL SENSORY; NEUROPATHY, HEREDITARY SENSORY RADICULAR, AUTOSOMAL RECESSIVE; NEUROPATHY, HEREDITARY SENSORY, TYPE IIA. Identifiers: Orphanet 970, MedGen C2752089, MONDO:0024309, OMIM 201300.
Generalized epilepsy with febrile seizures plus, type 7 (GEFSP7). Also called: GEFS+, TYPE 7. Identifiers: Orphanet 36387, MedGen C2751778, MONDO:0013470, OMIM 613863.

Submission:

Labcorp Genetics (formerly Invitae), Labcorp
Classification: Uncertain significance for Neuropathy, hereditary sensory and autonomic, type 2A; Generalized epilepsy with febrile seizures plus, type 7. Last evaluated: 2017-12-17. Review status: criteria provided, single submitter. Criteria: Invitae Variant Classification Sherloc (09022015). Collection method: clinical testing. Allele origin: germline.
Comment: Nucleotide substitutions within the consensus splice site are a relatively common cause of aberrant splicing (PMID: 17576681, 9536098). Algorithms developed to predict the effect of sequence changes on RNA splicing suggest that this variant is not likely to affect RNA splicing, but this prediction has not been confirmed by published transcriptional studies. In summary, the available evidence is currently insufficient to determine the role of this variant in disease. Therefore, it has been classified as a Variant of Uncertain Significance. This variant has not been reported in the literature in individuals with SCN9A-related disease. This variant is not present in population databases (ExAC no frequency). This sequence change falls in intron 11 of the SCN9A gene. It does not directly change the encoded amino acid sequence of the SCN9A protein, but it affects a nucleotide within the consensus splice site of the intron.

Literature cited by the submitters: PubMed 17576681; PubMed 9536098.